The following is an entry in ClinVar:

ClinVar aggregate classification (germline): Uncertain significance (1 of 4 stars; one submission).

Submission:

Labcorp Genetics (formerly Invitae), Labcorp
Classification: Uncertain significance. Last evaluated: 2025-04-16. Review status: criteria provided, single submitter. Criteria: Invitae Variant Classification Sherloc (09022015). Collection method: clinical testing. Allele origin: germline.
Comment: This sequence change falls in intron 10 of the MERTK gene. It does not directly change the encoded amino acid sequence of the MERTK protein. It affects a nucleotide within the consensus splice site. This variant is not present in population databases (gnomAD no frequency). This variant has not been reported in the literature in individuals affected with MERTK-related conditions. ClinVar contains an entry for this variant (Variation ID: 1003153). Variants that disrupt the consensus splice site are a relatively common cause of aberrant splicing (PMID: 17576681, 9536098). Algorithms developed to predict the effect of sequence changes on RNA splicing suggest that this variant may disrupt the consensus splice site. In summary, the available evidence is currently insufficient to determine the role of this variant in disease. Therefore, it has been classified as a Variant of Uncertain Significance.

Literature cited by the submitters: PubMed 17576681; PubMed 9536098.

NM_006343.3(MERTK):c.1604+5_1604+11del

Gene: MERTK (MER proto-oncogene, tyrosine kinase; plus strand). Cytogenetic location: 2q13.
Variant type: Deletion.
Coding change: c.1604+5_1604+11del on transcript NM_006343.3 (MANE Select); bases 5 to 11 of the intron after coding-DNA position 1604, 7 bases deleted (GTCTCCC; older notation c.1604+5_1604+11delGTCTCCC).
Molecular consequence: intron variant.
Genome position (GRCh38, 1-based): chr2:111,997,481-111,997,487, GTCTCCC deleted. VCF-style (leftmost placement, unchanged base first): chr2-111997480-AGTCTCCC-A. GRCh37 (hg19) VCF-style: chr2-112755057-AGTCTCCC-A.
Identifiers: ClinVar variation 1003153 (VCV001003153.6), dbSNP rs1676773480, ClinGen allele CA1279566598.
Genomic context (GRCh38, chr2:111,997,480, plus strand): 5'-GTTGATTTTATACATCTCCTTGGCCATCAGAAAAAGAGTCCAGGAGACAAAGTTTGGGTA[AGTCTCCC>A]AGCTAAAAATGTTTGCCCACTGGTATTGACAAGGTTGTTATACCAAGTGATTATGCCTTT-3'